The following is an entry in ClinVar:

ClinVar aggregate classification (germline): Uncertain significance (1 of 4 stars; one submission).

Allele frequency attached by ClinVar (database versions not stated): gnomAD 0.00001; TOPMed 0.00001; ExAC 0.00002.
gnomAD v4.1: 10 of 1,548,046 alleles (0.00065%); highest among the groups gnomAD compares: Admixed American, 0.0061%; no homozygotes.

Submission:

Labcorp Genetics (formerly Invitae), Labcorp
Classification: Uncertain significance. Last evaluated: 2024-07-17. Review status: criteria provided, single submitter. Criteria: Invitae Variant Classification Sherloc (09022015). Collection method: clinical testing. Allele origin: germline.
Comment: This sequence change replaces alanine, which is neutral and non-polar, with valine, which is neutral and non-polar, at codon 82 of the ARHGDIA protein (p.Ala82Val). This variant is present in population databases (rs747325364, gnomAD 0.01%). This variant has not been reported in the literature in individuals affected with ARHGDIA-related conditions. ClinVar contains an entry for this variant (Variation ID: 1912594). An algorithm developed to predict the effect of missense changes on protein structure and function (PolyPhen-2) suggests that this variant is likely to be disruptive. In summary, the available evidence is currently insufficient to determine the role of this variant in disease. Therefore, it has been classified as a Variant of Uncertain Significance.

NM_004309.6(ARHGDIA):c.245C>T (p.Ala82Val)

Genes: ARHGDIA (Rho GDP dissociation inhibitor alpha; minus strand), LOC130061973 (ATAC-STARR-seq lymphoblastoid silent region 9158; plus strand). Cytogenetic location: 17q25.3.
Variant type: single nucleotide variant.
Coding change: c.245C>T on transcript NM_004309.6 (MANE Select); coding-DNA position 245, C replaced by T.
Protein change: p.Ala82Val; replaces alanine 82 with valine.
Molecular consequence: missense variant. On other transcripts: non-coding transcript variant (1).
Genome position (GRCh38, 1-based): chr17:81,869,571, G>A on the plus strand (C>T on the coding strand, the complement: ARHGDIA is on the minus strand). VCF-style: chr17-81869571-G-A. GRCh37 (hg19) VCF-style: chr17-79827447-G-A.
Other names: c.245C>T, p.Ala82Val (NM_001185077.3, NM_001185078.3, NM_001301240.2 and 3 more transcripts); short protein forms A82V.
Identifiers: ClinVar variation 1912594 (VCV001912594.5), dbSNP rs747325364, ClinGen allele CA8843374.